The following is an entry in ClinVar:

ClinVar aggregate classification (germline): Uncertain significance (1 of 4 stars; one submission).

Submission:

Labcorp Genetics (formerly Invitae), Labcorp
Classification: Uncertain significance. Last evaluated: 2024-10-24. Review status: criteria provided, single submitter. Criteria: Invitae Variant Classification Sherloc (09022015). Collection method: clinical testing. Allele origin: germline.
Comment: This sequence change creates a premature translational stop signal (p.Asp47Thrfs*27) in the PRDX1 gene. It is expected to result in an absent or disrupted protein product. However, the current clinical and genetic evidence is not sufficient to establish whether loss-of-function variants in PRDX1 cause disease. This variant is not present in population databases (gnomAD no frequency). This variant has not been reported in the literature in individuals affected with PRDX1-related conditions. Algorithms developed to predict the effect of sequence changes on RNA splicing suggest that this variant may disrupt the consensus splice site. In summary, the available evidence is currently insufficient to determine the role of this variant in disease. Therefore, it has been classified as a Variant of Uncertain Significance.

NM_181697.3(PRDX1):c.136del (p.Asp47fs)

Gene: PRDX1 (peroxiredoxin 1; minus strand). Cytogenetic location: 1p34.1.
Variant type: Deletion.
Coding change: c.136del on transcript NM_181697.3 (MANE Select); coding-DNA position 136, one base deleted (C; older notation c.136delC).
Protein change: p.Asp47fs; shifts the reading frame from aspartic acid 47.
Molecular consequence: frameshift variant.
Genome position (GRCh38, 1-based): chr1:45,515,778, G deleted on the plus strand (C on the coding strand, the reverse complement: PRDX1 is on the minus strand). VCF-style (leftmost placement, unchanged base first): chr1-45515777-AG-A. GRCh37 (hg19) VCF-style: chr1-45981449-AG-A.
Other names: c.136del, p.Asp47fs (NM_001202431.2, NM_002574.4, NM_181696.3); short protein forms D47fs.
Identifiers: ClinVar variation 2831695 (VCV002831695.3), dbSNP rs2522869160, ClinGen allele CA2739272548.